The following is an entry in ClinVar:

NM_004523.4(KIF11):c.3135G>C (p.Lys1045Asn)

Gene: KIF11 (kinesin family member 11; plus strand). Cytogenetic location: 10q23.33.
Variant type: single nucleotide variant.
Coding change: c.3135G>C on transcript NM_004523.4 (MANE Select); coding-DNA position 3135, G replaced by C.
Protein change: p.Lys1045Asn; replaces lysine 1045 with asparagine.
Molecular consequence: missense variant.
Genome position (GRCh38, 1-based): chr10:92,653,760, G>C. VCF-style: chr10-92653760-G-C. GRCh37 (hg19) VCF-style: chr10-94413517-G-C.
Other names: short protein forms K1045N.
Identifiers: ClinVar variation 3655781 (VCV003655781.2).

ClinVar aggregate classification (germline): Uncertain significance (1 of 4 stars; one submission).

gnomAD v4.1: 1 of 1,614,020 alleles (0.000062%); highest among the groups gnomAD compares: South Asian, 0.0011%; no homozygotes.

Submission:

Labcorp Genetics (formerly Invitae), Labcorp
Classification: Uncertain significance. Last evaluated: 2024-06-12. Review status: criteria provided, single submitter. Criteria: Invitae Variant Classification Sherloc (09022015). Collection method: clinical testing. Allele origin: germline.
Comment: This sequence change replaces lysine, which is basic and polar, with asparagine, which is neutral and polar, at codon 1045 of the KIF11 protein (p.Lys1045Asn). This variant is not present in population databases (gnomAD no frequency). This variant has not been reported in the literature in individuals affected with KIF11-related conditions. An algorithm developed to predict the effect of missense changes on protein structure and function (PolyPhen-2) suggests that this variant is likely to be tolerated. In summary, the available evidence is currently insufficient to determine the role of this variant in disease. Therefore, it has been classified as a Variant of Uncertain Significance.